The following is an entry in ClinVar:

NM_138694.4(PKHD1):c.6266C>T (p.Pro2089Leu)

Gene: PKHD1 (PKHD1 ciliary IPT domain containing fibrocystin/polyductin; minus strand). Cytogenetic location: 6p12.2.
Variant type: single nucleotide variant.
Coding change: c.6266C>T on transcript NM_138694.4 (MANE Select); coding-DNA position 6266, C replaced by T.
Protein change: p.Pro2089Leu; replaces proline 2089 with leucine.
Molecular consequence: missense variant.
Genome position (GRCh38, 1-based): chr6:51,912,432, G>A on the plus strand (C>T on the coding strand, the complement: PKHD1 is on the minus strand). VCF-style: chr6-51912432-G-A. GRCh37 (hg19) VCF-style: chr6-51777230-G-A.
Other names: c.6266C>T (NM_138694.3); c.6266C>T, p.Pro2089Leu (NM_170724.3); short protein forms P2089L.
Identifiers: ClinVar variation 1049541 (VCV001049541.4), dbSNP rs376477480, ClinGen allele CA3852307.

ClinVar aggregate classification (germline): Uncertain significance. Review status: criteria provided, multiple submitters, no conflicts (2 of 4 stars). 4 submissions from 4 submitters: Uncertain significance (3). 1 of the submissions does not count toward it. Last evaluated 2024-05-28.

Conditions:
Polycystic kidney disease 4 (PKD4). Also called: POLYCYSTIC KIDNEY DISEASE 4 WITH OR WITHOUT POLYCYSTIC LIVER DISEASE; Autosomal Recessive Polycystic Kidney Disease – PKHD1; POLYCYSTIC KIDNEY AND HEPATIC DISEASE 1; POLYCYSTIC KIDNEY DISEASE, INFANTILE, TYPE I; PKD3. Identifiers: MedGen C4540575, MONDO:0033004, OMIM 263200.
Inborn genetic diseases. Identifiers: MedGen C0950123, MeSH D030342.

Allele frequency attached by ClinVar (database versions not stated): gnomAD exomes 0.00001 and 0.00002; TOPMed 0.00001; ExAC 0.00002; gnomAD 0.00002; ESP Exome Variant Server 0.00008.
gnomAD v4.1: 37 of 1,612,738 alleles (0.0023%); highest among the groups gnomAD compares: Admixed American, 0.0033%; no homozygotes.

Submissions (4):

Blueprint Genetics
Classification: Uncertain significance. Last evaluated: 2024-05-28. Review status: criteria provided, single submitter. Criteria: ACMG Guidelines, 2015. Collection method: clinical testing. Allele origin: germline.

Fulgent Genetics
Classification: Uncertain significance for Polycystic kidney disease 4. Last evaluated: 2024-05-16. Review status: criteria provided, single submitter. Criteria: ACMG Guidelines, 2015. Collection method: clinical testing. Allele origin: germline.

Ambry Genetics
Classification: Uncertain significance for Inborn genetic diseases. Last evaluated: 2024-01-08. Review status: criteria provided, single submitter. Criteria: Ambry Variant Classification Scheme 2023. Collection method: clinical testing. Allele origin: germline.

Department of Pathology and Laboratory Medicine, Sinai Health System
Classification: Uncertain significance. Review status: no assertion criteria provided. Collection method: clinical testing. Allele origin: unknown. Affected: yes. Study: The Canadian Open Genetics Repository (COGR). Not counted in ClinVar's aggregate classification.
Comment: The PKHD1 p.Pro2089Leu variant was not identified in the literature nor was it identified in ClinVar, LOVD 3.0 or the RWTH AAachen University ARPKD database. The variant was identified in dbSNP (ID: rs376477480) and in control databases in 2 of 251138 chromosomes at a frequency of 0.000007964 (Genome Aggregation Database March 6, 2019, v2.1.1). The variant was observed in the following populations: Latino in 1 of 34534 chromosomes (freq: 0.000029) and European (non-Finnish) in 1 of 113510 chromosomes (freq: 0.000009), but was not observed in the African, Ashkenazi Jewish, East Asian, European (Finnish), Other, or South Asian populations. The p.Pro2089 residue is not conserved in mammals and four out of five computational analyses (PolyPhen-2, SIFT, AlignGVGD, BLOSUM, MutationTaster) do not suggest a high likelihood of impact to the protein; however, this information is not predictive enough to rule out pathogenicity. The variant occurs outside of the splicing consensus sequence and in silico or computational prediction software programs (SpliceSiteFinder, MaxEntScan, NNSPLICE, GeneSplicer) do not predict a difference in splicing. In summary, based on the above information the clinical significance of this variant cannot be determined with certainty at this time. This variant is classified as a variant of uncertain significance.